The following is an entry in ClinVar:

NM_001376.5(DYNC1H1):c.4045C>T (p.Gln1349Ter)

Gene: DYNC1H1 (dynein cytoplasmic 1 heavy chain 1; plus strand). Cytogenetic location: 14q32.31.
Variant type: single nucleotide variant.
Coding change: c.4045C>T on transcript NM_001376.5 (MANE Select); coding-DNA position 4045, C replaced by T.
Protein change: p.Gln1349Ter; replaces glutamine 1349 with a stop codon.
Molecular consequence: nonsense.
Genome position (GRCh38, 1-based): chr14:102,000,370, C>T. VCF-style: chr14-102000370-C-T. GRCh37 (hg19) VCF-style: chr14-102466707-C-T.
Other names: short protein forms Q1349*.
Identifiers: ClinVar variation 3360809 (VCV003360809.1).
Genomic context (GRCh38, chr14:102,000,370, plus strand): 5'-CTCAAAGGCGTTTGGTCAGAACTTTCTAAGGTTTGGGAGCAAATCGATCAGATGAAGGAG[C>T]AACCCTGGGTTTCAGTACAGCCTCGAAAGGTATATCATGAAATCGGTGTTTGTGTACGTC-3'

ClinVar aggregate classification (germline): Uncertain significance (1 of 4 stars; one submission).

Submission:

GeneDx
Classification: Uncertain significance. Last evaluated: 2023-07-08. Review status: criteria provided, single submitter. Criteria: GeneDx Variant Classification Process June 2021. Collection method: clinical testing. Allele origin: germline. Affected: yes.
Comment: Not observed at significant frequency in large population cohorts (gnomAD); Nonsense variant predicted to result in protein truncation or nonsense mediated decay in a gene or region of a gene for which loss of function is not a well-established mechanism of disease; Has not been previously published as pathogenic or benign to our knowledge